The following is an entry in ClinVar:

ClinVar aggregate classification (germline): Uncertain significance (1 of 4 stars; one submission).

Conditions:
Developmental and epileptic encephalopathy, 53. Also called: Epileptic encephalopathy, early infantile, 53. Identifiers: MedGen C4479313, MONDO:0033362, OMIM 617389.
Early-onset Parkinson disease 20. Also called: PARKINSON DISEASE 20, AUTOSOMAL RECESSIVE EARLY-ONSET. Identifiers: Orphanet 391411, MedGen C3809824, MONDO:0014233, OMIM 615530.

Submission:

Labcorp Genetics (formerly Invitae), Labcorp
Classification: Uncertain significance for Developmental and epileptic encephalopathy, 53; Early-onset Parkinson disease 20. Last evaluated: 2019-11-26. Review status: criteria provided, single submitter. Criteria: Invitae Variant Classification Sherloc (09022015). Collection method: clinical testing. Allele origin: germline.
Comment: This variant results in a copy number gain of the genomic region encompassing the full coding sequence of the SYNJ1 gene. The boundaries of this event are unknown as they extend beyond the assayed region for this gene and therefore may encompass additional genes. As the precise location of this event is unknown, it may be in tandem or it may be located elsewhere in the genome. This variant has not been reported in the literature in individuals with SYNJ1-related conditions. In summary, the available evidence is currently insufficient to determine the role of this variant in disease. Therefore, it has been classified as a Variant of Uncertain Significance.

NC_000021.8:g.(?_34000069)_(34101351_?)dup

Gene: SYNJ1 (synaptojanin 1; minus strand). Cytogenetic location: 21q22.11.
Variant type: Duplication.
Identifiers: ClinVar variation 832807 (VCV000832807.2).